The following is an entry in ClinVar:

NM_003124.5(SPR):c.428C>G (p.Pro143Arg)

Gene: SPR (sepiapterin reductase; plus strand). Cytogenetic location: 2p13.2.
Variant type: single nucleotide variant.
Coding change: c.428C>G on transcript NM_003124.5 (MANE Select); coding-DNA position 428, C replaced by G.
Protein change: p.Pro143Arg; replaces proline 143 with arginine.
Molecular consequence: missense variant.
Genome position (GRCh38, 1-based): chr2:72,888,437, C>G. VCF-style: chr2-72888437-C-G. GRCh37 (hg19) VCF-style: chr2-73115566-C-G.
Other names: short protein forms P143R.
Identifiers: ClinVar variation 2893199 (VCV002893199.3), dbSNP rs1489347429, ClinGen allele CA347231645.

ClinVar aggregate classification (germline): Uncertain significance (1 of 4 stars; one submission).

Conditions:
Dystonic disorder. Also called: Dystonia. Identifiers: MedGen C0013421, MONDO:0003441, HP:0001332.

gnomAD v4.1: 4 of 1,614,036 alleles (0.00025%); highest among the groups gnomAD compares: Non-Finnish European, 0.00034%; no homozygotes.

Submission:

Labcorp Genetics (formerly Invitae), Labcorp
Classification: Uncertain significance for Dystonic disorder. Last evaluated: 2024-10-22. Review status: criteria provided, single submitter. Criteria: Invitae Variant Classification Sherloc (09022015). Collection method: clinical testing. Allele origin: germline.
Comment: This sequence change replaces proline, which is neutral and non-polar, with arginine, which is basic and polar, at codon 143 of the SPR protein (p.Pro143Arg). This variant is not present in population databases (gnomAD no frequency). This variant has not been reported in the literature in individuals affected with SPR-related conditions. Invitae Evidence Modeling of protein sequence and biophysical properties (such as structural, functional, and spatial information, amino acid conservation, physicochemical variation, residue mobility, and thermodynamic stability) indicates that this missense variant is not expected to disrupt SPR protein function with a negative predictive value of 80%. In summary, the available evidence is currently insufficient to determine the role of this variant in disease. Therefore, it has been classified as a Variant of Uncertain Significance.